The following is an entry in ClinVar:

NC_000023.11:g.(?_32287519)_(32287711_?)del

Gene: DMD (dystrophin; minus strand). Cytogenetic location: Xp21.1.
Variant type: Deletion.
Identifiers: ClinVar variation 831406 (VCV000831406.6).

ClinVar aggregate classification (germline): Pathogenic (1 of 4 stars; one submission).

Conditions:
Duchenne muscular dystrophy (DMD). Also called: Duchenne Muscular Dystrophy (DMD); MUSCULAR DYSTROPHY, PSEUDOHYPERTROPHIC PROGRESSIVE, DUCHENNE TYPE. Identifiers: Orphanet 98896, MedGen C0013264, MONDO:0010679, OMIM 310200.

Submission:

Labcorp Genetics (formerly Invitae), Labcorp
Classification: Pathogenic for Duchenne muscular dystrophy. Last evaluated: 2022-09-19. Review status: criteria provided, single submitter. Criteria: Invitae Variant Classification Sherloc (09022015). Collection method: clinical testing. Allele origin: germline.
Comment: This variant is a gross deletion of the genomic region encompassing exon(s) 43 of the DMD gene. This deletion is out-of-frame, and is expected to create a premature termination codon and result in an absent or disrupted protein product. Loss-of-function variants in DMD are known to be pathogenic (PMID: 16770791, 25007885). A similar copy number variant has been observed in individual(s) with DMD-related muscular dystrophy (PMID: 8543940, 11381192, 18353051, 18752307). For these reasons, this variant has been classified as Pathogenic.

Literature cited by the submitters: PubMed 16770791; PubMed 25007885; PubMed 8543940; PubMed 11381192; PubMed 18353051; PubMed 18752307.